The following is an entry in ClinVar:

NM_014140.4(SMARCAL1):c.1435del (p.Trp479fs)

Gene: SMARCAL1 (SNF2 related chromatin remodeling annealing helicase 1; plus strand). Cytogenetic location: 2q35.
Variant type: Deletion.
Coding change: c.1435del on transcript NM_014140.4 (MANE Select); coding-DNA position 1435, one base deleted (T; older notation c.1435delT).
Protein change: p.Trp479fs; shifts the reading frame from tryptophan 479.
Molecular consequence: frameshift variant.
Genome position (GRCh38, 1-based): chr2:216,432,818, T deleted. VCF-style (leftmost placement, unchanged base first): chr2-216432817-GT-G. GRCh37 (hg19) VCF-style: chr2-217297540-GT-G.
Other names: c.1435del, p.Trp479fs (NM_001127207.2); short protein forms W479fs.
Identifiers: ClinVar variation 3905789 (VCV003905789.10).

ClinVar aggregate classification (germline): Pathogenic (1 of 4 stars; one submission).

Submission:

CeGaT Center for Human Genetics Tuebingen
Classification: Pathogenic. Last evaluated: 2025-05-01. Review status: criteria provided, single submitter. Criteria: CeGaT Center For Human Genetics Tuebingen Variant Classification Criteria Version 2. Collection method: clinical testing. Allele origin: germline. Affected: yes. Observed: 1 variant allele.
Comment: SMARCAL1: PVS1, PM2